The following is an entry in ClinVar:

ClinVar aggregate classification (germline): Conflicting classifications of pathogenicity. Review status: criteria provided, conflicting classifications (1 of 4 stars). 8 submissions from 7 submitters: Uncertain significance (5); Likely benign (1). 2 of the submissions do not count toward it. Last evaluated 2026-01-30.

Conditions:
WHRN-related disorder. Also called: WHRN-related condition.
Autosomal recessive nonsyndromic hearing loss 31. Also called: WHIRLER, MOUSE, HOMOLOG OF. Identifiers: Orphanet 90636, MedGen C1846839, MONDO:0011767, OMIM 607084.
Usher syndrome type 2D. Also called: USHER SYNDROME, TYPE IID. Identifiers: Orphanet 231178, Orphanet 886, MedGen C1568249, MONDO:0012662, OMIM 611383.

Allele frequency attached by ClinVar (database versions not stated): gnomAD below 0.00001 and 0.00011; TOPMed 0.00001; gnomAD exomes 0.00011 and 0.00020; ExAC 0.00025.
gnomAD v4.1: 174 of 1,607,990 alleles (0.011%); highest among the groups gnomAD compares: South Asian, 0.18%; 1 homozygote.

Submissions (8):

PreventionGenetics, part of Exact Sciences
Classification: Uncertain significance for WHRN-related condition. Last evaluated: 2026-01-30. Review status: criteria provided, single submitter. Criteria: ACMG Guidelines, 2015. Collection method: clinical testing. Allele origin: germline.
Comment: The WHRN c.328A>G variant is predicted to result in the amino acid substitution p.Thr110Ala. To our knowledge, this variant has not been reported in the literature. This variant is reported in 0.15% of alleles in individuals of South Asian descent in gnomAD. Although we suspect that this variant may be benign, at this time, the clinical significance of this variant is uncertain due to the absence of conclusive functional and genetic evidence.

Blueprint Genetics
Classification: Likely benign. Last evaluated: 2024-04-23. Review status: criteria provided, single submitter. Criteria: ACMG Guidelines, 2015. Collection method: clinical testing. Allele origin: germline.

Labcorp Genetics (formerly Invitae), Labcorp
Classification: Uncertain significance. Last evaluated: 2022-10-17. Review status: criteria provided, single submitter. Criteria: Invitae Variant Classification Sherloc (09022015). Collection method: clinical testing. Allele origin: germline.
Comment: This sequence change replaces threonine, which is neutral and polar, with alanine, which is neutral and non-polar, at codon 110 of the WHRN protein (p.Thr110Ala). This variant is present in population databases (rs572312301, gnomAD 0.2%). This variant has not been reported in the literature in individuals affected with WHRN-related conditions. ClinVar contains an entry for this variant (Variation ID: 178844). Algorithms developed to predict the effect of missense changes on protein structure and function are either unavailable or do not agree on the potential impact of this missense change (SIFT: "Tolerated"; PolyPhen-2: "Probably Damaging"; Align-GVGD: "Class C15"). In summary, the available evidence is currently insufficient to determine the role of this variant in disease. Therefore, it has been classified as a Variant of Uncertain Significance.

Illumina Laboratory Services, Illumina
Classification: Uncertain significance for Autosomal recessive nonsyndromic hearing loss 31. Last evaluated: 2018-01-13. Review status: criteria provided, single submitter. Criteria: ICSL Variant Classification Criteria 13 December 2019. Collection method: clinical testing. Allele origin: germline.

Illumina Laboratory Services, Illumina
Classification: Uncertain significance for Usher syndrome type 2D. Last evaluated: 2018-01-13. Review status: criteria provided, single submitter. Criteria: ICSL Variant Classification Criteria 13 December 2019. Collection method: clinical testing. Allele origin: germline.

Laboratory for Molecular Medicine, Mass General Brigham Personalized Medicine
Classification: Uncertain significance. Last evaluated: 2015-11-30. Review status: criteria provided, single submitter. Criteria: LMM Criteria. Collection method: clinical testing. Allele origin: germline. Observed: 1 variant allele.
Comment: proposed classification - variant undergoing re-assessment, contact laboratory

Clinical Genetics DNA and cytogenetics Diagnostics Lab, Erasmus MC, Erasmus Medical Center
Classification: Uncertain significance. Review status: no assertion criteria provided. Collection method: clinical testing. Allele origin: germline. Affected: yes. Study: VKGL Data-share Consensus. Not counted in ClinVar's aggregate classification.

Clinical Genetics, Academic Medical Center
Classification: Uncertain significance. Review status: no assertion criteria provided. Collection method: clinical testing. Allele origin: germline. Affected: yes. Study: VKGL Data-share Consensus. Not counted in ClinVar's aggregate classification.

NM_015404.4(WHRN):c.328A>G (p.Thr110Ala)

Gene: WHRN (whirlin; minus strand). Cytogenetic location: 9q32.
Variant type: single nucleotide variant.
Coding change: c.328A>G on transcript NM_015404.4 (MANE Select); coding-DNA position 328, A replaced by G.
Protein change: p.Thr110Ala; replaces threonine 110 with alanine.
Molecular consequence: missense variant.
Genome position (GRCh38, 1-based): chr9:114,504,474, T>C on the plus strand (A>G on the coding strand, the complement: WHRN is on the minus strand). VCF-style: chr9-114504474-T-C. GRCh37 (hg19) VCF-style: chr9-117266754-T-C.
Other names: c.328A>G, p.Thr110Ala (NM_001173425.2); short protein forms T110A.
Identifiers: ClinVar variation 178844 (VCV000178844.18), dbSNP rs572312301, ClinGen allele CA183142.